The following is an entry in ClinVar:

NM_004260.4(RECQL4):c.1575C>G (p.Cys525Trp)

Gene: RECQL4 (RecQ like helicase 4; minus strand). Cytogenetic location: 8q24.3.
Variant type: single nucleotide variant.
Coding change: c.1575C>G on transcript NM_004260.4 (MANE Select); coding-DNA position 1575, C replaced by G.
Protein change: p.Cys525Trp; replaces cysteine 525 with tryptophan.
Molecular consequence: missense variant.
Genome position (GRCh38, 1-based): chr8:144,514,981, G>C on the plus strand (C>G on the coding strand, the complement: RECQL4 is on the minus strand). VCF-style: chr8-144514981-G-C. GRCh37 (hg19) VCF-style: chr8-145740365-G-C.
Other names: short protein forms C525W.
Identifiers: ClinVar variation 965416 (VCV000965416.7), dbSNP rs1318317428, ClinGen allele CA372683642.

ClinVar aggregate classification (germline): Uncertain significance. Review status: criteria provided, multiple submitters, no conflicts (2 of 4 stars). 2 submissions from 2 submitters: Uncertain significance (2). Last evaluated 2026-04-28.

Conditions:
Inborn genetic diseases. Identifiers: MedGen C0950123, MeSH D030342.
Baller-Gerold syndrome (BGS). Also called: CRANIOSYNOSTOSIS WITH RADIAL DEFECTS. Identifiers: Orphanet 1225, MedGen C0265308, MONDO:0009039, OMIM 218600.

gnomAD v4.1: 1 of 1,611,882 alleles (0.000062%); highest among the groups gnomAD compares: Non-Finnish European, 0.000085%; no homozygotes.

Submissions (2):

Ambry Genetics
Classification: Uncertain significance for Inborn genetic diseases. Last evaluated: 2026-04-28. Review status: criteria provided, single submitter. Criteria: Ambry Variant Classification Scheme 2023. Collection method: clinical testing. Allele origin: germline.
Comment: The p.C525W variant (also known as c.1575C>G), located in coding exon 9 of the RECQL4 gene, results from a C to G substitution at nucleotide position 1575. The cysteine at codon 525 is replaced by tryptophan, an amino acid with highly dissimilar properties. This amino acid position is conserved. In addition, the in silico prediction for this alteration is inconclusive. Based on the available evidence, the clinical significance of this variant remains unclear.

Labcorp Genetics (formerly Invitae), Labcorp
Classification: Uncertain significance for Baller-Gerold syndrome. Last evaluated: 2025-02-26. Review status: criteria provided, single submitter. Criteria: Invitae Variant Classification Sherloc (09022015). Collection method: clinical testing. Allele origin: germline.
Comment: This sequence change replaces cysteine, which is neutral and slightly polar, with tryptophan, which is neutral and slightly polar, at codon 525 of the RECQL4 protein (p.Cys525Trp). This variant is not present in population databases (gnomAD no frequency). This variant has not been reported in the literature in individuals affected with RECQL4-related conditions. ClinVar contains an entry for this variant (Variation ID: 965416). Invitae Evidence Modeling of protein sequence and biophysical properties (such as structural, functional, and spatial information, amino acid conservation, physicochemical variation, residue mobility, and thermodynamic stability) indicates that this missense variant is expected to disrupt RECQL4 protein function with a positive predictive value of 80%. In summary, the available evidence is currently insufficient to determine the role of this variant in disease. Therefore, it has been classified as a Variant of Uncertain Significance.